The following is an entry in ClinVar:

ClinVar aggregate classification (germline): Uncertain significance. Review status: criteria provided, multiple submitters, no conflicts (2 of 4 stars). 3 submissions from 3 submitters: Uncertain significance (3). Last evaluated 2024-10-13.

Conditions:
POLD1-related polyposis and colorectal cancer syndrome (CRCS10). Also called: Colorectal cancer 10; COLORECTAL CANCER, SUSCEPTIBILITY TO, ON CHROMOSOME 19q; Colorectal cancer, susceptibility to, 10. Identifiers: Orphanet 220460, MedGen C2675481, MONDO:0012953, OMIM 612591.
Hereditary cancer-predisposing syndrome. Also called: Tumor predisposition; Hereditary Cancer Syndrome; Hereditary neoplastic syndrome; Neoplastic Syndromes, Hereditary. Identifiers: Orphanet 140162, MedGen C0027672, MeSH D009386, MONDO:0015356.

Submissions (3):

Ambry Genetics
Classification: Uncertain significance for Hereditary cancer-predisposing syndrome. Last evaluated: 2024-10-13. Review status: criteria provided, single submitter. Criteria: Ambry Variant Classification Scheme 2023. Collection method: clinical testing. Allele origin: germline.
Comment: The p.D2H variant (also known as c.4G>C), located in coding exon 1 of the POLD1 gene, results from a G to C substitution at nucleotide position 4. The aspartic acid at codon 2 is replaced by histidine, an amino acid with similar properties. This amino acid position is conserved. In addition, this alteration is predicted to be tolerated by in silico analysis. Based on the available evidence, the clinical significance of this variant remains unclear.

Labcorp Genetics (formerly Invitae), Labcorp
Classification: Uncertain significance for POLD1-related polyposis and colorectal cancer syndrome. Last evaluated: 2024-03-09. Review status: criteria provided, single submitter. Criteria: Invitae Variant Classification Sherloc (09022015). Collection method: clinical testing. Allele origin: germline.
Comment: This sequence change replaces aspartic acid, which is acidic and polar, with histidine, which is basic and polar, at codon 2 of the POLD1 protein (p.Asp2His). This variant is not present in population databases (gnomAD no frequency). This variant has not been reported in the literature in individuals affected with POLD1-related conditions. ClinVar contains an entry for this variant (Variation ID: 1039963). Experimental studies and prediction algorithms are not available or were not evaluated, and the functional significance of this variant is currently unknown. In summary, the available evidence is currently insufficient to determine the role of this variant in disease. Therefore, it has been classified as a Variant of Uncertain Significance.

Institute for Clinical Genetics, University Hospital TU Dresden, University Hospital TU Dresden
Classification: Uncertain significance. Last evaluated: 2021-11-03. Review status: criteria provided, single submitter. Criteria: ACMG Guidelines, 2015. Collection method: clinical testing. Allele origin: germline.

NM_002691.4(POLD1):c.4G>C (p.Asp2His)

Gene: POLD1 (DNA polymerase delta 1, catalytic subunit; plus strand). Cytogenetic location: 19q13.33.
Variant type: single nucleotide variant.
Coding change: c.4G>C on transcript NM_002691.4 (MANE Select); coding-DNA position 4, G replaced by C.
Protein change: p.Asp2His; replaces aspartic acid 2 with histidine.
Molecular consequence: missense variant. On other transcripts: non-coding transcript variant (1).
Genome position (GRCh38, 1-based): chr19:50,398,855, G>C. VCF-style: chr19-50398855-G-C. GRCh37 (hg19) VCF-style: chr19-50902112-G-C.
Other names: c.4G>C, p.Asp2His (NM_001256849.1, NM_001308632.1); c.4G>C (NM_002691.2); short protein forms D2H.
Identifiers: ClinVar variation 1039963 (VCV001039963.14), dbSNP rs2038467819, ClinGen allele CA406969958.